The following is an entry in ClinVar:

NC_000021.8:g.(?_43160998)_(47754702_?)del

Genes: ABCG1 (ATP binding cassette subfamily G member 1; plus strand), ADARB1 (adenosine deaminase RNA specific B1; plus strand), AGPAT3 (1-acylglycerol-3-phosphate O-acyltransferase 3; plus strand), AIRE (autoimmune regulator; plus strand), C21orf58 (chromosome 21 open reading frame 58; minus strand) and 71 more. Cytogenetic location: 21q22.3.
Variant type: Deletion.
Identifiers: ClinVar variation 2422361 (VCV002422361.6).

ClinVar aggregate classification (germline): Conflicting classifications of pathogenicity. Review status: criteria provided, conflicting classifications (1 of 4 stars). 2 submissions from 1 submitter: Pathogenic (1); Uncertain significance (1). Last evaluated 2022-10-28.

Conditions:
Progressive myoclonic epilepsy. Also called: Myoclonic Epilepsies, Progressive; Myoclonus epilepsy; Progressive myoclonus epilepsy; Familial progressive myoclonic epilepsy. Identifiers: Orphanet 308, Orphanet 98261, MedGen C0751778, MONDO:0020074.
Developmental and epileptic encephalopathy, 30 (DEE30). Also called: Epileptic encephalopathy, early infantile, 30. Identifiers: MedGen C4225360, MONDO:0014595, OMIM 616341.

Submissions (2):

Labcorp Genetics (formerly Invitae), Labcorp
Classification: Pathogenic for Progressive myoclonic epilepsy. Last evaluated: 2022-10-28. Review status: criteria provided, single submitter. Criteria: Invitae Variant Classification Sherloc (09022015). Collection method: clinical testing. Allele origin: germline.
Comment: A gross deletion of the genomic region encompassing the full coding sequence of the CSTB gene has been identified. Loss-of-function variants in CSTB are known to be pathogenic (PMID: 8596935). The boundaries of this event are unknown as they extend beyond the assayed region for this gene and therefore may encompass additional genes. This variant has not been reported in the literature in individuals affected with CSTB-related conditions. For these reasons, this variant has been classified as Pathogenic.

Labcorp Genetics (formerly Invitae), Labcorp
Classification: Uncertain significance for Developmental and epileptic encephalopathy, 30. Last evaluated: 2022-10-28. Review status: criteria provided, single submitter. Criteria: Invitae Variant Classification Sherloc (09022015). Collection method: clinical testing. Allele origin: germline.
Comment: A gross deletion of the genomic region encompassing the full coding sequence of the SIK1 gene has been identified. The current clinical and genetic evidence is not sufficient to establish whether loss-of-function variants in SIK1 cause disease. The boundaries of this event are unknown as they extend beyond the assayed region for this gene and therefore may encompass additional genes. This variant has not been reported in the literature in individuals affected with SIK1-related conditions. In summary, the available evidence is currently insufficient to determine the role of this variant in disease. Therefore, it has been classified as a Variant of Uncertain Significance.

Literature cited by the submitters: PubMed 8596935.